The following is an entry in ClinVar:

NM_000836.4(GRIN2D):c.673C>T (p.Pro225Ser)

Gene: GRIN2D (glutamate ionotropic receptor NMDA type subunit 2D; plus strand). Cytogenetic location: 19q13.33.
Variant type: single nucleotide variant.
Coding change: c.673C>T on transcript NM_000836.4 (MANE Select); coding-DNA position 673, C replaced by T.
Protein change: p.Pro225Ser; replaces proline 225 with serine.
Molecular consequence: missense variant.
Genome position (GRCh38, 1-based): chr19:48,404,941, C>T. VCF-style: chr19-48404941-C-T. GRCh37 (hg19) VCF-style: chr19-48908198-C-T.
Other names: short protein forms P225S.
Identifiers: ClinVar variation 2662548 (VCV002662548.1), dbSNP rs752498935, ClinGen allele CA9550363.

ClinVar aggregate classification (germline): Uncertain significance (1 of 4 stars; one submission).

Allele frequency attached by ClinVar (database versions not stated): gnomAD exomes below 0.00001; ExAC 0.00001.
gnomAD v4.1: 2 of 1,613,186 alleles (0.00012%); highest among the groups gnomAD compares: Non-Finnish European, 0.00017%; no homozygotes.

Submission:

GeneDx
Classification: Uncertain significance. Last evaluated: 2023-04-11. Review status: criteria provided, single submitter. Criteria: GeneDx Variant Classification Process June 2021. Collection method: clinical testing. Allele origin: germline. Affected: yes.
Comment: Not observed at significant frequency in large population cohorts (gnomAD); In silico analysis supports that this missense variant does not alter protein structure/function; Has not been previously published as pathogenic or benign to our knowledge